The following is an entry in ClinVar:

ClinVar aggregate classification (germline): Pathogenic. Review status: criteria provided, multiple submitters, no conflicts (2 of 4 stars). 2 submissions from 2 submitters: Pathogenic (2). Last evaluated 2024-12-18.

Conditions:
Xeroderma pigmentosum, group C (XPC). Also called: XERODERMA PIGMENTOSUM III; XP, GROUP C; XPC-Related Xeroderma Pigmentosum; Xeroderma pigmentosum, complementation group C. Identifiers: Orphanet 910, MedGen C2752147, MONDO:0010211, OMIM 278720.

Submissions (2):

Palindrome, Gene Kavoshgaran Aria
Classification: Pathogenic for Xeroderma pigmentosum, group C. Last evaluated: 2024-12-18. Review status: criteria provided, single submitter. Criteria: ACMG Guidelines, 2015. Collection method: clinical testing. Allele origin: germline. Inheritance: Autosomal recessive inheritance. Affected: yes. Observed: 1 homozygote.

CeGaT Center for Human Genetics Tuebingen
Classification: Pathogenic. Last evaluated: 2022-03-01. Review status: criteria provided, single submitter. Criteria: CeGaT Center For Human Genetics Tuebingen Variant Classification Criteria Version 2. Collection method: clinical testing. Allele origin: germline. Affected: yes. Observed: 1 variant allele.
Comment: XPC: PVS1, PM2

NM_004628.5(XPC):c.2451_2461delinsT (p.Lys818fs)

Gene: XPC (XPC complex subunit, DNA damage recognition and repair factor; minus strand). Cytogenetic location: 3p25.1.
Variant type: Indel.
Coding change: c.2451_2461delinsT on transcript NM_004628.5 (MANE Select); coding-DNA positions 2451 to 2461, CAAAGACGTGC replaced by T.
Protein change: p.Lys818fs; shifts the reading frame from lysine 818.
Molecular consequence: frameshift variant. On other transcripts: non-coding transcript variant (2).
Genome position (GRCh38, 1-based): chr3:14,147,961-14,147,971, GCACGTCTTTG replaced by A on the plus strand (CAAAGACGTGC replaced by T on the coding strand, the reverse complement: XPC is on the minus strand). VCF-style: chr3-14147961-GCACGTCTTTG-A. GRCh37 (hg19) VCF-style: chr3-14189461-GCACGTCTTTG-A.
Other names: c.1872_1882delinsT, p.Lys625fs (NM_001354726.2); c.2445_2455delinsT, p.Lys816fs (NM_001354727.2); c.2433_2443delinsT, p.Lys812fs (NM_001354729.2); c.2205_2215delinsT, p.Lys736fs (NM_001354730.2); short protein forms K625fs, K736fs, K812fs, K816fs, K818fs.
Identifiers: ClinVar variation 1701453 (VCV001701453.32), dbSNP rs2125008340, ClinGen allele CA2580068487.
Genomic context (GRCh38, chr3:14,147,961, plus strand): 5'-CGCTTACCTCCTTCTCCTTCCTTTCAATGACTGCCTGCTCATTTTCCCAGGCAGTCAGGA[GCACGTCTTTG>A]AATTCCTCGCAGACGATGTATCCATCAGTCCTGTGGGGACACAACGCGATGTCAACCCTC-3'